The following is an entry in ClinVar:

ClinVar aggregate classification (germline): Uncertain significance. Review status: criteria provided, multiple submitters, no conflicts (2 of 4 stars). 2 submissions from 2 submitters: Uncertain significance (2). Last evaluated 2022-08-09.

Conditions:
GRACILE syndrome (FLNMS). Also called: FELLMAN SYNDROME; FINNISH LETHAL NEONATAL METABOLIC SYNDROME. Identifiers: Orphanet 53693, MedGen C1864002, MONDO:0011308, OMIM 603358.
Mitochondrial complex III deficiency nuclear type 1. Identifiers: Orphanet 254902, MedGen C3541471, MONDO:0007415, OMIM 124000.
Pili torti-deafness syndrome (BJS). Also called: Bjornstad syndrome; PILI TORTI AND NERVE DEAFNESS. Identifiers: Orphanet 123, MedGen C0266006, MONDO:0009872, OMIM 262000.

Allele frequency attached by ClinVar (database versions not stated): gnomAD exomes 0.00001 and 0.00003; gnomAD 0.00002; ExAC 0.00004.
gnomAD v4.1: 21 of 1,614,056 alleles (0.0013%); highest among the groups gnomAD compares: Admixed American, 0.017%; no homozygotes.

Submissions (2):

Labcorp Genetics (formerly Invitae), Labcorp
Classification: Uncertain significance. Last evaluated: 2022-08-09. Review status: criteria provided, single submitter. Criteria: Invitae Variant Classification Sherloc (09022015). Collection method: clinical testing. Allele origin: germline.
Comment: This sequence change replaces arginine, which is basic and polar, with glutamine, which is neutral and polar, at codon 386 of the BCS1L protein (p.Arg386Gln). This variant is present in population databases (rs775817146, gnomAD 0.02%). This variant has not been reported in the literature in individuals affected with BCS1L-related conditions. ClinVar contains an entry for this variant (Variation ID: 1422746). Advanced modeling of protein sequence and biophysical properties (such as structural, functional, and spatial information, amino acid conservation, physicochemical variation, residue mobility, and thermodynamic stability) performed at Invitae indicates that this missense variant is not expected to disrupt BCS1L protein function. In summary, the available evidence is currently insufficient to determine the role of this variant in disease. Therefore, it has been classified as a Variant of Uncertain Significance.

Fulgent Genetics
Classification: Uncertain significance for Mitochondrial complex III deficiency nuclear type 1; Pili torti-deafness syndrome; GRACILE syndrome. Last evaluated: 2022-04-05. Review status: criteria provided, single submitter. Criteria: ACMG Guidelines, 2015. Collection method: clinical testing. Allele origin: unknown.

NM_001079866.2(BCS1L):c.1157G>A (p.Arg386Gln)

Gene: BCS1L (BCS1 ubiquinol-cytochrome c reductase complex chaperone; plus strand). Cytogenetic location: 2q35.
Variant type: single nucleotide variant.
Coding change: c.1157G>A on transcript NM_001079866.2 (MANE Select); coding-DNA position 1157, G replaced by A.
Protein change: p.Arg386Gln; replaces arginine 386 with glutamine.
Molecular consequence: missense variant. On other transcripts: non-coding transcript variant (1).
Genome position (GRCh38, 1-based): chr2:218,663,283, G>A. VCF-style: chr2-218663283-G-A. GRCh37 (hg19) VCF-style: chr2-219528006-G-A.
Other names: c.1157G>A, p.Arg386Gln (NM_001257342.2, NM_001257343.2, NM_001257344.2 and 10 more transcripts); c.797G>A, p.Arg266Gln (NM_001318836.2, NM_001371451.1); c.656G>A, p.Arg219Gln (NM_001371452.1, NM_001371453.1, NM_001371454.1 and 3 more transcripts); short protein forms R266Q, R219Q, R386Q.
Identifiers: ClinVar variation 1422746 (VCV001422746.4), dbSNP rs775817146, ClinGen allele CA2109847.